The following is an entry in ClinVar:

ClinVar aggregate classification (germline): Likely benign (0 of 4 stars; one submission).

Conditions:
GNAS-related disorder. Identifiers: MedGen CN380105.

gnomAD v4.1: 1 of 1,614,146 alleles (0.000062%); highest among the groups gnomAD compares: Non-Finnish European, 0.000085%; no homozygotes.

Submission:

PreventionGenetics, part of Exact Sciences
Classification: Likely benign for GNAS-related condition. Last evaluated: 2022-02-08. Review status: no assertion criteria provided. Collection method: clinical testing. Allele origin: germline.
Comment: This variant is classified as likely benign based on ACMG/AMP sequence variant interpretation guidelines (Richards et al. 2015 PMID: 25741868, with internal and published modifications).

NM_000516.7(GNAS):c.1062T>C (p.Asp354=)

Gene: GNAS (GNAS complex locus; plus strand). Cytogenetic location: 20q13.32.
Variant type: single nucleotide variant.
Coding change: c.1062T>C on transcript NM_000516.7 (MANE Select); coding-DNA position 1062, T replaced by C.
Protein change: p.Asp354=; no amino-acid change (aspartic acid 354 retained).
Molecular consequence: synonymous variant. On other transcripts: 3 prime UTR variant (2).
Genome position (GRCh38, 1-based): chr20:58,910,706, T>C. VCF-style: chr20-58910706-T-C. GRCh37 (hg19) VCF-style: chr20-57485761-T-C.
Other names: c.1065T>C, p.Asp355= (NM_001077488.5); c.1017T>C, p.Asp339= (NM_001077489.4); c.*923T>C (NM_001077490.3); c.885T>C, p.Asp295= (NM_001309840.2, NM_001309861.2); c.966T>C, p.Asp322= (NM_001410912.1); c.2946T>C, p.Asp982= (NM_001410913.1); c.*968T>C (NM_016592.5); c.2991T>C, p.Asp997= (NM_080425.4); and 1 more.
Identifiers: ClinVar variation 3351695 (VCV003351695.1).